The following is an entry in ClinVar:

NM_001046.3(SLC12A2):c.2263+1G>T

Gene: SLC12A2 (solute carrier family 12 member 2; plus strand). Cytogenetic location: 5q23.3.
Variant type: single nucleotide variant.
Coding change: c.2263+1G>T on transcript NM_001046.3 (MANE Select); the canonical splice donor site of the intron after coding-DNA position 2263, G replaced by T.
Molecular consequence: splice donor variant.
Genome position (GRCh38, 1-based): chr5:128,151,397, G>T. VCF-style: chr5-128151397-G-T. GRCh37 (hg19) VCF-style: chr5-127487089-G-T.
Other names: c.2263+1G>T (NM_001256461.2).
Identifiers: ClinVar variation 2576139 (VCV002576139.1), dbSNP rs2479411965, ClinGen allele CA360749181.

ClinVar aggregate classification (germline): Uncertain significance (1 of 4 stars; one submission).

Submission:

Institute for Clinical Genetics, University Hospital TU Dresden, University Hospital TU Dresden
Classification: Uncertain significance. Last evaluated: 2023-05-17. Review status: criteria provided, single submitter. Criteria: ACMG Guidelines, 2015. Collection method: clinical testing. Allele origin: germline.
Comment: PVS1_MOD, PM2_SUP